The following is an entry in ClinVar:

NM_001384900.1(SEMA3D):c.1896G>A (p.Glu632=)

Gene: SEMA3D (semaphorin 3D; minus strand). Cytogenetic location: 7q21.11.
Variant type: single nucleotide variant.
Coding change: c.1896G>A on transcript NM_001384900.1 (MANE Select); coding-DNA position 1896, G replaced by A.
Protein change: p.Glu632=; no amino-acid change (glutamic acid 632 retained).
Molecular consequence: synonymous variant.
Genome position (GRCh38, 1-based): chr7:85,006,814, C>T on the plus strand (G>A on the coding strand, the complement: SEMA3D is on the minus strand). VCF-style: chr7-85006814-C-T. GRCh37 (hg19) VCF-style: chr7-84636130-C-T.
Other names: c.1896G>A, p.Glu632= (NM_001384901.1, NM_001384902.1, NM_001384903.1 and 1 more transcripts).
Identifiers: ClinVar variation 4985004 (VCV004985004.1).

ClinVar aggregate classification (germline): Likely benign (1 of 4 stars; one submission).

Conditions:
SEMA3D-related disorder. Also called: SEMA3D-related condition.

gnomAD v4.1: 12 of 1,592,394 alleles (0.00075%); highest among the groups gnomAD compares: Middle Eastern, 0.05%; no homozygotes.

Submission:

PreventionGenetics, part of Exact Sciences
Classification: Likely benign for SEMA3D-related condition. Last evaluated: 2026-03-22. Review status: criteria provided, single submitter. Criteria: ACMG Guidelines, 2015. Collection method: clinical testing. Allele origin: germline.
Comment: This variant is classified as likely benign based on ACMG/AMP sequence variant interpretation guidelines (Richards et al. 2015 PMID: 25741868, with internal and published modifications).